The following is an entry in ClinVar:

NM_004100.5(EYA4):c.472C>T (p.Gln158Ter)

Gene: EYA4 (EYA transcriptional coactivator and phosphatase 4; plus strand). Cytogenetic location: 6q23.2.
Variant type: single nucleotide variant.
Coding change: c.472C>T on transcript NM_004100.5 (MANE Select); coding-DNA position 472, C replaced by T.
Protein change: p.Gln158Ter; replaces glutamine 158 with a stop codon.
Molecular consequence: nonsense.
Genome position (GRCh38, 1-based): chr6:133,462,369, C>T. VCF-style: chr6-133462369-C-T. GRCh37 (hg19) VCF-style: chr6-133783507-C-T.
Other names: c.310C>T, p.Gln104Ter (NM_001301012.2, NM_001370459.1); c.472C>T, p.Gln158Ter (NM_001301013.2, NM_172105.4); c.403C>T, p.Gln135Ter (NM_001370458.1, NM_172103.4); short protein forms Q104*, Q135*, Q158*.
Identifiers: ClinVar variation 982918 (VCV000982918.1), dbSNP rs1794473050, ClinGen allele CA365697706.
Genomic context (GRCh38, chr6:133,462,369, plus strand): 5'-AGTAATGCTATTTTTCTGATATTTAGGCCCTATCCACACATTCTTTCTACACCAGCAGCT[C>T]AAACAATGTCTGCCTATGCAGGCCAGACTCAGTATTCGGGGATGCAGCAGCCAGCCGTCT-3'

ClinVar aggregate classification (germline): Likely pathogenic (1 of 4 stars; one submission).

Conditions:
Autosomal dominant nonsyndromic hearing loss 10. Identifiers: Orphanet 90635, MedGen C1832476, MONDO:0011031, OMIM 601316.

Submission:

Institute of Human Genetics, University of Leipzig Medical Center
Classification: Likely pathogenic for Autosomal dominant nonsyndromic hearing loss 10. Last evaluated: 2019-01-01. Review status: criteria provided, single submitter. Criteria: ACMG Guidelines, 2015. Collection method: clinical testing. Allele origin: unknown. Affected: no.
Comment: This variant was identified as compound heterozygous.